The following is an entry in ClinVar:

ClinVar aggregate classification (germline): Likely pathogenic (1 of 4 stars; one submission).

Conditions:
Autosomal dominant TCF7L2-related disorders.

Submission:

Variantyx, Inc.
Classification: Likely pathogenic for Autosomal dominant TCF7L2-related disorders. Last evaluated: 2025-04-08. Review status: criteria provided, single submitter. Criteria: Variantyx Assertion Criteria 2022. Collection method: clinical testing. Allele origin: de novo. Inheritance: Autosomal dominant inheritance. Affected: yes.
Comment: This is a nonsynonymous variant in the TCF7L2 gene (OMIM: 602228). Pathogenic variants in this gene have been associated with autosomal dominant complex neurodevelopmental disorder (PMID: 34003604, 33004838). It lies within a known hotspot for pathogenic variants or a well-established critical functional domain of the TCF7L2 protein (PMID: 34003604) (PM1) and multiple computational algorithms predict a deleterious effect for this variant (REVEL score: 0.967) (PP3). This variant is absent from control populations (PM2) and it has not been reported in individuals with TCF7L2-related disorders in the databases available for review. Based on the current evidence, this variant is classified as likely pathogenic for autosomal dominant TCF7L2-related disorders.

Literature cited by the submitters: PubMed 34003604; PubMed 33004838.

NM_001367943.1(TCF7L2):c.1058C>T (p.Pro353Leu)

Gene: TCF7L2 (transcription factor 7 like 2; plus strand). Cytogenetic location: 10q25.3.
Variant type: single nucleotide variant.
Coding change: c.1058C>T on transcript NM_001367943.1 (MANE Select); coding-DNA position 1058, C replaced by T.
Protein change: p.Pro353Leu; replaces proline 353 with leucine.
Molecular consequence: missense variant.
Genome position (GRCh38, 1-based): chr10:113,151,781, C>T. VCF-style: chr10-113151781-C-T. GRCh37 (hg19) VCF-style: chr10-114911540-C-T.
Other names: c.1058C>T, p.Pro353Leu (NM_001146274.2, NM_001198531.2, NM_001363501.2); c.1130C>T, p.Pro377Leu (NM_001146283.2); c.977C>T, p.Pro326Leu (NM_001146284.2, NM_001198527.2); c.989C>T, p.Pro330Leu (NM_001146285.2, NM_001146286.2, NM_001198526.2 and 3 more transcripts); c.1004C>T, p.Pro335Leu (NM_001198525.2); c.887C>T, p.Pro296Leu (NM_001198530.2); c.629C>T, p.Pro210Leu (NM_001349870.2); c.509C>T, p.Pro170Leu (NM_001349871.1); short protein forms P170L, P210L, P296L, P326L, P330L, P335L, P353L, P377L.
Identifiers: ClinVar variation 4850218 (VCV004850218.1).
Genomic context (GRCh38, chr10:113,151,781, plus strand): 5'-CCAGAAAGCATCAGGACTCCAAAAAGGAAGAAGAAAAGAAGAAGCCCCACATAAAGAAAC[C>T]TCTTAATGCATTCATGTTGTATATGAAGGAAATGAGAGCAAAGGTCGTAGCTGAGTGCAC-3'
Protein context (NP_001354872.1, residues 343-363): EEKKKPHIKK[Pro353Leu]LNAFMLYMKE